The following is an entry in ClinVar:

ClinVar aggregate classification (germline): Uncertain significance (1 of 4 stars; one submission).

gnomAD v4.1: 2 of 1,211,940 alleles (0.00017%); highest among the groups gnomAD compares: African/African-American, 0.0017%; no homozygotes.

Submission:

GeneDx
Classification: Uncertain significance. Last evaluated: 2024-06-17. Review status: criteria provided, single submitter. Criteria: GeneDx Variant Classification Process June 2021. Collection method: clinical testing. Allele origin: germline. Affected: yes.
Comment: Not observed at significant frequency in large population cohorts (gnomAD); In silico analysis, which includes protein predictors and evolutionary conservation, supports a deleterious effect; Has not been previously published as pathogenic or benign to our knowledge

NM_173495.3(PTCHD1):c.2141C>T (p.Ser714Leu)

Gene: PTCHD1 (patched domain containing 1; plus strand). Cytogenetic location: Xp22.11.
Variant type: single nucleotide variant.
Coding change: c.2141C>T on transcript NM_173495.3 (MANE Select); coding-DNA position 2141, C replaced by T.
Protein change: p.Ser714Leu; replaces serine 714 with leucine.
Molecular consequence: missense variant.
Genome position (GRCh38, 1-based): chrX:23,393,659, C>T. VCF-style: chrX-23393659-C-T. GRCh37 (hg19) VCF-style: chrX-23411776-C-T.
Other names: short protein forms S714L.
Identifiers: ClinVar variation 3391483 (VCV003391483.1).